The following is an entry in ClinVar:

NM_001291746.2(REL):c.1474T>G (p.Cys492Gly)

Gene: REL (REL proto-oncogene, NF-kB subunit; plus strand). Cytogenetic location: 2p16.1.
Variant type: single nucleotide variant.
Coding change: c.1474T>G on transcript NM_001291746.2 (MANE Select); coding-DNA position 1474, T replaced by G.
Protein change: p.Cys492Gly; replaces cysteine 492 with glycine.
Molecular consequence: missense variant.
Genome position (GRCh38, 1-based): chr2:60,922,245, T>G. VCF-style: chr2-60922245-T-G. GRCh37 (hg19) VCF-style: chr2-61149380-T-G.
Other names: c.1570T>G, p.Cys524Gly (NM_002908.4); short protein forms C524G, C492G.
Identifiers: ClinVar variation 2803027 (VCV002803027.3), dbSNP rs1223642674, ClinGen allele CA347045285.

ClinVar aggregate classification (germline): Uncertain significance (1 of 4 stars; one submission).

Allele frequency attached by ClinVar (database versions not stated): gnomAD exomes below 0.00001.
gnomAD v4.1: 4 of 1,614,178 alleles (0.00025%); highest among the groups gnomAD compares: Middle Eastern, 0.049%; no homozygotes.

Submission:

Labcorp Genetics (formerly Invitae), Labcorp
Classification: Uncertain significance. Last evaluated: 2023-08-27. Review status: criteria provided, single submitter. Criteria: Invitae Variant Classification Sherloc (09022015). Collection method: clinical testing. Allele origin: germline.
Comment: This variant is present in population databases (no rsID available, gnomAD no frequency). This sequence change replaces cysteine, which is neutral and slightly polar, with glycine, which is neutral and non-polar, at codon 524 of the REL protein (p.Cys524Gly). This variant has not been reported in the literature in individuals affected with REL-related conditions. An algorithm developed to predict the effect of missense changes on protein structure and function (PolyPhen-2) suggests that this variant is likely to be disruptive. Algorithms developed to predict the effect of sequence changes on RNA splicing suggest that this variant may create or strengthen a splice site. In summary, the available evidence is currently insufficient to determine the role of this variant in disease. Therefore, it has been classified as a Variant of Uncertain Significance.